The following continues an entry in ClinVar:

NM_000051.4(ATM):c.1066-6T>G

Gene: ATM. ClinVar aggregate classification (germline): Benign. Benign (1).

Submissions 36 to 39 of 39:

Dr. Peter K. Rogan Lab, Western University
No classification provided (evidence only). Condition: Acute myeloid leukemia. Review status: no classification provided. Collection method: in vitro. Allele origin: not applicable. Functional consequence: retained intron. Not counted in ClinVar's aggregate classification.

Dr. Peter K. Rogan Lab, Western University
No classification provided (evidence only). Condition: Acute myeloid leukemia. Review status: no classification provided. Collection method: in vitro. Allele origin: not applicable. Functional consequence: skipped exon. Not counted in ClinVar's aggregate classification.

Dr. Peter K. Rogan Lab, Western University
No classification provided (evidence only). Condition: Cervical cancer. Review status: no classification provided. Collection method: in vitro. Allele origin: not applicable. Functional consequence: retained intron. Not counted in ClinVar's aggregate classification.

Dr. Peter K. Rogan Lab, Western University
No classification provided (evidence only). Condition: Gastric cancer. Review status: no classification provided. Collection method: in vitro. Allele origin: not applicable. Functional consequence: retained intron. Not counted in ClinVar's aggregate classification.

Literature cited by the submitters: PubMed 11606401 (cited by 7 submitters); PubMed 12673794 (cited by 5 submitters); PubMed 18573109 (cited by Mayo Clinic Laboratories, Mayo Clinic and Women's Health and Genetics/Laboratory Corporation of America, LabCorp); PubMed 19781682 (cited by 7 submitters); PubMed 20678261 (cited by 4 submitters); PubMed 30549301 (cited by Mayo Clinic Laboratories, Mayo Clinic and Quest Diagnostics Nichols Institute San Juan Capistrano); PubMed 31050087 (cited by 3 submitters); PubMed 32918381 (cited by Mayo Clinic Laboratories, Mayo Clinic and Quest Diagnostics Nichols Institute San Juan Capistrano); PubMed 35716007 (cited by Mayo Clinic Laboratories, Mayo Clinic and Quest Diagnostics Nichols Institute San Juan Capistrano); PubMed 36704080 (cited by Mayo Clinic Laboratories, Mayo Clinic); PubMed 25085752 (cited by Myriad Genetics, Inc.); PubMed 15101044 (cited by 4 submitters); PubMed 15880680 (cited by 4 submitters); PubMed 22146522 (cited by Quest Diagnostics Nichols Institute San Juan Capistrano and Athena Diagnostics); PubMed 27067391 (cited by Quest Diagnostics Nichols Institute San Juan Capistrano and Athena Diagnostics); PubMed 23091097 (cited by Quest Diagnostics Nichols Institute San Juan Capistrano and Athena Diagnostics); PubMed 18164969 (cited by 3 submitters); PubMed 15450731 (cited by Quest Diagnostics Nichols Institute San Juan Capistrano and Athena Diagnostics); PubMed 14643952 (cited by 3 submitters); PubMed 17351744 (cited by Quest Diagnostics Nichols Institute San Juan Capistrano and Athena Diagnostics); PubMed 16631465 (cited by 3 submitters); PubMed 21792198 (cited by Quest Diagnostics Nichols Institute San Juan Capistrano and Athena Diagnostics); PubMed 11839094 (cited by Quest Diagnostics Nichols Institute San Juan Capistrano and Athena Diagnostics); PubMed 11173867 (cited by Quest Diagnostics Nichols Institute San Juan Capistrano and Athena Diagnostics); PubMed 26898890 (cited by 3 submitters); PubMed 26250988 (cited by Quest Diagnostics Nichols Institute San Juan Capistrano and Athena Diagnostics); PubMed 12810666 (cited by Quest Diagnostics Nichols Institute San Juan Capistrano and Athena Diagnostics); PubMed 17393301 (cited by 3 submitters); PubMed 28652578 (cited by 3 submitters); PubMed 28779002 (cited by Quest Diagnostics Nichols Institute San Juan Capistrano and Athena Diagnostics); PubMed 15217508 (cited by Quest Diagnostics Nichols Institute San Juan Capistrano and Athena Diagnostics); PubMed 21933854 (cited by 5 submitters); PubMed 20544271 (cited by 4 submitters); PubMed 11996792 (cited by Quest Diagnostics Nichols Institute San Juan Capistrano and Athena Diagnostics); PubMed 14562025 (cited by Quest Diagnostics Nichols Institute San Juan Capistrano and Athena Diagnostics); PubMed 10677309 (cited by 6 submitters); PubMed 27803004 (cited by Quest Diagnostics Nichols Institute San Juan Capistrano and Women's Health and Genetics/Laboratory Corporation of America, LabCorp); PubMed 30233647 (cited by Quest Diagnostics Nichols Institute San Juan Capistrano and Women's Health and Genetics/Laboratory Corporation of America, LabCorp); PubMed 11830610 (cited by 3 submitters); PubMed 16958054 (cited by 4 submitters); PubMed 18497957 (cited by 3 submitters); PubMed 20927582 (cited by Women's Health and Genetics/Laboratory Corporation of America, LabCorp); PubMed 21778326 (cited by Women's Health and Genetics/Laboratory Corporation of America, LabCorp); PubMed 17187232 (cited by Women's Health and Genetics/Laboratory Corporation of America, LabCorp); PubMed 27621404 (cited by Women's Health and Genetics/Laboratory Corporation of America, LabCorp); PubMed 26837699 (cited by Women's Health and Genetics/Laboratory Corporation of America, LabCorp); PubMed 9792409 (cited by OMIM).